The following is an entry in ClinVar:

ClinVar aggregate classification (germline): Likely pathogenic (1 of 4 stars; one submission).

gnomAD v4.1: 2 of 1,546,142 alleles (0.00013%); highest among the groups gnomAD compares: Non-Finnish European, 0.00018%; no homozygotes.

Submission:

Labcorp Genetics (formerly Invitae), Labcorp
Classification: Likely pathogenic. Last evaluated: 2023-04-06. Review status: criteria provided, single submitter. Criteria: Invitae Variant Classification Sherloc (09022015). Collection method: clinical testing. Allele origin: germline.
Comment: This variant is present in population databases (no rsID available, gnomAD 0.002%). This variant has not been reported in the literature in individuals affected with LOXHD1-related conditions. Algorithms developed to predict the effect of sequence changes on RNA splicing suggest that this variant may disrupt the consensus splice site. In summary, the currently available evidence indicates that the variant is pathogenic, but additional data are needed to prove that conclusively. Therefore, this variant has been classified as Likely Pathogenic. This sequence change affects an acceptor splice site in intron 4 of the LOXHD1 gene. It is expected to disrupt RNA splicing. Variants that disrupt the donor or acceptor splice site typically lead to a loss of protein function (PMID: 16199547), and loss-of-function variants in LOXHD1 are known to be pathogenic (PMID: 19732867, 21465660, 25792669).

Literature cited by the submitters: PubMed 16199547; PubMed 19732867; PubMed 21465660; PubMed 25792669.

NM_001384474.1(LOXHD1):c.512-2A>T

Gene: LOXHD1 (lipoxygenase homology PLAT domains 1; minus strand). Cytogenetic location: 18q21.1.
Variant type: single nucleotide variant.
Coding change: c.512-2A>T on transcript NM_001384474.1 (MANE Select); the canonical splice acceptor site of the intron before coding-DNA position 512, A replaced by T.
Molecular consequence: splice acceptor variant.
Genome position (GRCh38, 1-based): chr18:46,618,292, T>A on the plus strand (A>T on the coding strand, the complement: LOXHD1 is on the minus strand). VCF-style: chr18-46618292-T-A. GRCh37 (hg19) VCF-style: chr18-44198255-T-A.
Other names: c.512-2A>T (NM_144612.7).
Identifiers: ClinVar variation 2982392 (VCV002982392.3), dbSNP rs1201905882, ClinGen allele CA402367617.